The following is an entry in ClinVar:

NM_033028.5(BBS4):c.1439C>T (p.Thr480Met)

Gene: BBS4 (Bardet-Biedl syndrome 4; plus strand). Cytogenetic location: 15q24.1.
Variant type: single nucleotide variant.
Coding change: c.1439C>T on transcript NM_033028.5 (MANE Select); coding-DNA position 1439, C replaced by T.
Protein change: p.Thr480Met; replaces threonine 480 with methionine.
Molecular consequence: missense variant. On other transcripts: non-coding transcript variant (2).
Genome position (GRCh38, 1-based): chr15:72,736,952, C>T. VCF-style: chr15-72736952-C-T. GRCh37 (hg19) VCF-style: chr15-73029293-C-T.
Other names: c.1439C>T (NM_033028.3); c.923C>T, p.Thr308Met (NM_001252678.2); c.1370C>T, p.Thr457Met (NM_001320665.2); short protein forms T480M, T457M, T308M.
Identifiers: ClinVar variation 933798 (VCV000933798.11), dbSNP rs754792792, ClinGen allele CA7647022.

ClinVar aggregate classification (germline): Conflicting classifications of pathogenicity. Review status: criteria provided, conflicting classifications (1 of 4 stars). 6 submissions from 6 submitters: Uncertain significance (4); Likely benign (1). 1 of the submissions does not count toward it. Last evaluated 2024-11-15.

Conditions:
Inborn genetic diseases. Identifiers: MedGen C0950123, MeSH D030342.
BBS4-related disorder. Also called: BBS4-related condition.
Bardet-Biedl syndrome (BBS). Identifiers: Orphanet 110, MedGen C0752166, MONDO:0015229.
Bardet-Biedl syndrome 4 (BBS4). Identifiers: Orphanet 110, MedGen C2936864, MONDO:0014433, OMIM 615982.

Allele frequency attached by ClinVar (database versions not stated): gnomAD 0.00002; TOPMed 0.00002; gnomAD exomes 0.00003; ExAC 0.00004.
gnomAD v4.1: 49 of 1,613,984 alleles (0.003%); highest among the groups gnomAD compares: East Asian, 0.022%; no homozygotes.

Submissions (6):

Ambry Genetics
Classification: Uncertain significance for Inborn genetic diseases. Last evaluated: 2024-11-15. Review status: criteria provided, single submitter. Criteria: Ambry Variant Classification Scheme 2023. Collection method: clinical testing. Allele origin: germline.

Labcorp Genetics (formerly Invitae), Labcorp
Classification: Uncertain significance for Bardet-Biedl syndrome. Last evaluated: 2024-10-25. Review status: criteria provided, single submitter. Criteria: Invitae Variant Classification Sherloc (09022015). Collection method: clinical testing. Allele origin: germline.
Comment: This sequence change replaces threonine, which is neutral and polar, with methionine, which is neutral and non-polar, at codon 480 of the BBS4 protein (p.Thr480Met). This variant is present in population databases (rs754792792, gnomAD 0.02%). This variant has not been reported in the literature in individuals affected with BBS4-related conditions. ClinVar contains an entry for this variant (Variation ID: 933798). An algorithm developed to predict the effect of missense changes on protein structure and function (PolyPhen-2) suggests that this variant¬†is likely to be tolerated. In summary, the available evidence is currently insufficient to determine the role of this variant in disease. Therefore, it has been classified as a Variant of Uncertain Significance.

3billion
Classification: Likely benign for Bardet-Biedl syndrome 4. Last evaluated: 2024-09-20. Review status: criteria provided, single submitter. Criteria: ACMG Guidelines, 2015. Collection method: clinical testing. Allele origin: germline. Affected: no.
Comment: The homozygous variant was found in patients diagnosed with another variant in a different gene, with no symptoms related to the gene containing the homozygous variant.

Fulgent Genetics
Classification: Uncertain significance for Bardet-Biedl syndrome 4. Last evaluated: 2024-06-10. Review status: criteria provided, single submitter. Criteria: ACMG Guidelines, 2015. Collection method: clinical testing. Allele origin: germline.

Blueprint Genetics
Classification: Uncertain significance. Last evaluated: 2023-08-03. Review status: criteria provided, single submitter. Criteria: ACMG Guidelines, 2015. Collection method: clinical testing. Allele origin: germline.

PreventionGenetics, part of Exact Sciences
Classification: Uncertain significance for BBS4-related condition. Last evaluated: 2024-05-27. Review status: no assertion criteria provided. Collection method: clinical testing. Allele origin: germline. Not counted in ClinVar's aggregate classification.
Comment: The BBS4 c.1439C>T variant is predicted to result in the amino acid substitution p.Thr480Met. To our knowledge, this variant has not been reported in the literature. This variant is reported in 0.015% of alleles in individuals of East Asian descent in gnomAD. At this time, the clinical significance of this variant is uncertain due to the absence of conclusive functional and genetic evidence.